The following is an entry in ClinVar:

ClinVar aggregate classification (germline): Pathogenic. Review status: no assertion criteria provided (0 of 4 stars). 2 submissions from 2 submitters: Pathogenic (2). Last evaluated 2022-07-21.

Conditions:
Intellectual developmental disorder, autosomal recessive 44. Also called: Intellectual disability, autosomal recessive 44. Identifiers: Orphanet 88616, MedGen C4014745, MONDO:0014409, OMIM 615942.

Submissions (2):

OMIM
Classification: Pathogenic for INTELLECTUAL DEVELOPMENTAL DISORDER, AUTOSOMAL RECESSIVE 44. Last evaluated: 2022-07-21. Review status: no assertion criteria provided. Collection method: literature only. Allele origin: germline.

Department of Medical Genetics, National Institute of Health
Classification: Pathogenic for Intellectual developmental disorder, autosomal recessive 44. Review status: no assertion criteria provided. Collection method: clinical testing. Allele origin: germline. Inheritance: Autosomal recessive inheritance. Affected: yes. Observed: 1 homozygote.
Comment: We report the NM_001080510.3(METTL23):c.176_177insG (p. Glu60fs) variant in two Moroccan siblings with mild intellectual disability and dysmorphic features (brachycephaly, prominent eyes, low set ears, a small short nose with hypoplasia of alae nasi and thin lips). Biallelic mutations in this gene have been reported to cause autosomal recessive mild intellectual disability. This mutation was homozygous in the affected siblings and their parents carry this mutation in heterozygous state.

Literature cited by the submitters: PubMed 32439618 (cited by OMIM).

NM_001080510.5(METTL23):c.178dup (p.Glu60fs)

Gene: METTL23 (methyltransferase 23, arginine; plus strand). Cytogenetic location: 17q25.1.
Variant type: Duplication.
Coding change: c.178dup on transcript NM_001080510.5 (MANE Select); coding-DNA position 178, one base duplicated (G; older notation c.178dupG).
Protein change: p.Glu60fs; shifts the reading frame from glutamic acid 60.
Molecular consequence: frameshift variant. On other transcripts: 5 prime UTR variant (5).
Genome position (GRCh38, 1-based): chr17:76,733,071, G duplicated; the last of 2 consecutive G bases (chr17:76,733,070-76,733,071); duplicating either gives the same sequence. VCF-style (leftmost placement, unchanged base first): chr17-76733069-T-TG. GRCh37 (hg19) VCF-style: chr17-74729151-T-TG.
Other names: c.178dup, p.Glu60fs (NM_001206983.3, NM_001206984.3, NM_001302703.2 and 2 more transcripts); c.-24dup (NM_001206985.3, NM_001206986.3, NM_001206987.3 and 2 more transcripts); c.166dup, p.Glu56fs (NM_001302705.2, NM_001378350.1, NM_001378351.1 and 2 more transcripts); short protein forms E60fs, E56fs.
Identifiers: ClinVar variation 812707 (VCV000812707.3), dbSNP rs1382444181, ClinGen allele CA1139665899.